The following is an entry in ClinVar:

ClinVar aggregate classification (germline): Uncertain significance (1 of 4 stars; one submission).

Submission:

GeneDx
Classification: Uncertain significance. Last evaluated: 2024-08-28. Review status: criteria provided, single submitter. Criteria: GeneDx Variant Classification Process June 2021. Collection method: clinical testing. Allele origin: germline. Affected: yes.
Comment: Not observed at significant frequency in large population cohorts (gnomAD); In silico analysis supports that this missense variant has a deleterious effect on protein structure/function; Has not been previously published as pathogenic or benign to our knowledge

NM_001378183.1(PIEZO2):c.3095C>A (p.Pro1032His)

Gene: PIEZO2 (piezo type mechanosensitive ion channel component 2; minus strand). Cytogenetic location: 18p11.22.
Variant type: single nucleotide variant.
Coding change: c.3095C>A on transcript NM_001378183.1 (MANE Select); coding-DNA position 3095, C replaced by A.
Protein change: p.Pro1032His; replaces proline 1032 with histidine.
Molecular consequence: missense variant.
Genome position (GRCh38, 1-based): chr18:10,762,950, G>T on the plus strand (C>A on the coding strand, the complement: PIEZO2 is on the minus strand). VCF-style: chr18-10762950-G-T. GRCh37 (hg19) VCF-style: chr18-10762948-G-T.
Other names: c.3095C>A, p.Pro1032His (NM_001410871.1); c.3020C>A, p.Pro1007His (NM_022068.4); short protein forms P1007H, P1032H.
Identifiers: ClinVar variation 3765935 (VCV003765935.1).